The following is an entry in ClinVar:

ClinVar aggregate classification (germline): Benign/Likely benign. Review status: criteria provided, multiple submitters, no conflicts (2 of 4 stars). 2 submissions from 2 submitters: Benign (1); Likely benign (1). Last evaluated 2025-09-16.

Conditions:
PRPS1-related disorder. Also called: PRPS1-related condition.
Charcot-Marie-Tooth Neuropathy X. Identifiers: MedGen CN118851.

Allele frequency attached by ClinVar (database versions not stated): TOPMed 0.00011.
gnomAD v4.1: 16 of 1,210,020 alleles (0.0013%); highest among the groups gnomAD compares: African/African-American, 0.026%; no homozygotes.

Submissions (2):

Labcorp Genetics (formerly Invitae), Labcorp
Classification: Benign for Charcot-Marie-Tooth Neuropathy X. Last evaluated: 2025-09-16. Review status: criteria provided, single submitter. Criteria: Invitae Variant Classification Sherloc (09022015). Collection method: clinical testing. Allele origin: germline.

PreventionGenetics, part of Exact Sciences
Classification: Likely benign for PRPS1-related condition. Last evaluated: 2025-05-22. Review status: criteria provided, single submitter. Criteria: ACMG Guidelines, 2015. Collection method: clinical testing. Allele origin: germline.
Comment: This variant is classified as likely benign based on ACMG/AMP sequence variant interpretation guidelines (Richards et al. 2015 PMID: 25741868, with internal and published modifications).

NM_002764.4(PRPS1):c.270A>C (p.Pro90=)

Gene: PRPS1 (phosphoribosyl pyrophosphate synthetase 1; plus strand). Cytogenetic location: Xq22.3.
Variant type: single nucleotide variant.
Coding change: c.270A>C on transcript NM_002764.4 (MANE Select); coding-DNA position 270, A replaced by C.
Protein change: p.Pro90=; no amino-acid change (proline 90 retained).
Molecular consequence: synonymous variant. On other transcripts: intron variant (1).
Genome position (GRCh38, 1-based): chrX:107,639,442, A>C. VCF-style: chrX-107639442-A-C. GRCh37 (hg19) VCF-style: chrX-106882672-A-C.
Other names: c.270A>C (NM_002764.3); c.-82-5735A>C (NM_001204402.2).
Identifiers: ClinVar variation 1169593 (VCV001169593.10), dbSNP rs766786656, ClinGen allele CA10485603.